The following is an entry in ClinVar:

ClinVar aggregate classification (germline): Uncertain significance (1 of 4 stars; one submission).

Conditions:
Biotin-responsive basal ganglia disease (BTBGD). Also called: Thiamine metabolism dysfunction syndrome type 2; Thiamine Transporter-2 Deficiency; THIAMINE METABOLISM DYSFUNCTION SYNDROME 2 (BIOTIN- AND THIAMINE-RESPONSIVE TYPE); Thiamine metabolism dysfunction syndrome 2 (biotin- or thiamine-responsive encephalopathy type 2); thiamine-responsive encephalopathy. Identifiers: Orphanet 199348, Orphanet 65284, MedGen C1843807, MONDO:0011841, OMIM 607483.

Submission:

Labcorp Genetics (formerly Invitae), Labcorp
Classification: Uncertain significance for Biotin-responsive basal ganglia disease. Last evaluated: 2022-11-29. Review status: criteria provided, single submitter. Criteria: Invitae Variant Classification Sherloc (09022015). Collection method: clinical testing. Allele origin: germline.
Comment: In summary, the available evidence is currently insufficient to determine the role of this variant in disease. Therefore, it has been classified as a Variant of Uncertain Significance. Algorithms developed to predict the effect of missense changes on protein structure and function are either unavailable or do not agree on the potential impact of this missense change (SIFT: "Not Available"; PolyPhen-2: "Benign"; Align-GVGD: "Not Available"). ClinVar contains an entry for this variant (Variation ID: 1380241). This variant has not been reported in the literature in individuals affected with SLC19A3-related conditions. Information on the frequency of this variant in the gnomAD database is not available, as this variant may be reported differently in the database. This sequence change replaces valine with alanine at codon 350 of the SLC19A3 protein (p.Val350Ala). The valine residue is weakly conserved and there is a small physicochemical difference between valine and alanine.

NM_025243.4(SLC19A3):c.1049_1050inv (p.Val350Ala)

Gene: SLC19A3 (solute carrier family 19 member 3; minus strand). Cytogenetic location: 2q36.3.
Variant type: Inversion.
Coding change: c.1049_1050inv on transcript NM_025243.4 (MANE Select).
Protein change: p.Val350Ala; replaces valine 350 with alanine.
Molecular consequence: missense variant.
Genome position: GRCh38 VCF-style: chr2-227696011-CA-TG. GRCh37 (hg19) VCF-style: chr2-228560727-CA-TG.
Other names: c.1049_1050inv, p.Val350Ala (NM_001371411.1, NM_001371412.1); c.1037_1038inv, p.Val346Ala (NM_001371413.1, NM_001371414.1); short protein forms V346A, V350A.
Identifiers: ClinVar variation 1380241 (VCV001380241.6), ClinGen allele CA2573135411.